The following is an entry in ClinVar:

ClinVar aggregate classification (germline): Uncertain significance. Review status: criteria provided, multiple submitters, no conflicts (2 of 4 stars). 2 submissions from 2 submitters: Uncertain significance (2). Last evaluated 2025-01-02.

Conditions:
Cortical dysplasia, complex, with other brain malformations 13. Also called: Intellectual disability, autosomal dominant 13. Identifiers: MedGen C3281202, MONDO:0013805, OMIM 614563.

Allele frequency attached by ClinVar (database versions not stated): gnomAD exomes below 0.00001; TOPMed below 0.00001.
gnomAD v4.1: 2 of 1,614,080 alleles (0.00012%); highest among the groups gnomAD compares: Admixed American, 0.0017%; no homozygotes.

Submissions (2):

GeneDx
Classification: Uncertain significance. Last evaluated: 2025-01-02. Review status: criteria provided, single submitter. Criteria: GeneDx Variant Classification Process June 2021. Collection method: clinical testing. Allele origin: germline. Affected: yes.
Comment: Not observed at significant frequency in large population cohorts (gnomAD); In silico analysis supports that this missense variant has a deleterious effect on protein structure/function; Has not been previously published as pathogenic or benign to our knowledge; This variant is associated with the following publications: (PMID: 25512093, 25609763, 26100331)

MVZ Martinsried, Medicover Genetics
Classification: Uncertain significance for Cortical dysplasia, complex, with other brain malformations 13. Last evaluated: 2022-11-18. Review status: criteria provided, single submitter. Criteria: ACGS Guidelines, 2020. Collection method: clinical testing. Allele origin: unknown. Affected: yes.

NM_001376.5(DYNC1H1):c.7606G>A (p.Asp2536Asn)

Gene: DYNC1H1 (dynein cytoplasmic 1 heavy chain 1; plus strand). Cytogenetic location: 14q32.31.
Variant type: single nucleotide variant.
Coding change: c.7606G>A on transcript NM_001376.5 (MANE Select); coding-DNA position 7606, G replaced by A.
Protein change: p.Asp2536Asn; replaces aspartic acid 2536 with asparagine.
Molecular consequence: missense variant.
Genome position (GRCh38, 1-based): chr14:102,016,481, G>A. VCF-style: chr14-102016481-G-A. GRCh37 (hg19) VCF-style: chr14-102482818-G-A.
Other names: short protein forms D2536N.
Identifiers: ClinVar variation 1992318 (VCV001992318.2), dbSNP rs2048324199, ClinGen allele CA391002499.